The following is an entry in ClinVar:

NM_006214.4(PHYH):c.83A>G (p.His28Arg)

Gene: PHYH (phytanoyl-CoA 2-hydroxylase; minus strand). Cytogenetic location: 10p13.
Variant type: single nucleotide variant.
Coding change: c.83A>G on transcript NM_006214.4 (MANE Select); coding-DNA position 83, A replaced by G.
Protein change: p.His28Arg; replaces histidine 28 with arginine.
Molecular consequence: missense variant. On other transcripts: 5 prime UTR variant (1), intron variant (2).
Genome position (GRCh38, 1-based): chr10:13,298,238, T>C on the plus strand (A>G on the coding strand, the complement: PHYH is on the minus strand). VCF-style: chr10-13298238-T-C. GRCh37 (hg19) VCF-style: chr10-13340238-T-C.
Other names: c.-218A>G (NM_001323080.2); c.83A>G, p.His28Arg (NM_001323082.2, NM_001323083.2); c.-167+1182A>G (NM_001037537.2, NM_001323084.2); short protein forms H28R.
Identifiers: ClinVar variation 877868 (VCV000877868.11), dbSNP rs778011598, ClinGen allele CA5412488.

ClinVar aggregate classification (germline): Uncertain significance. Review status: criteria provided, multiple submitters, no conflicts (2 of 4 stars). 2 submissions from 2 submitters: Uncertain significance (2). Last evaluated 2021-08-30.

Conditions:
Refsum disease, classic. Also called: PHYH-Related Refsum Disease; HEREDOPATHIA ATACTICA POLYNEURITIFORMIS; HMSN IV; PHYTANIC ACID OXIDASE DEFICIENCY. Identifiers: Orphanet 773, MedGen C5780941, MONDO:1060256, OMIM 266500. Disease mechanism: loss of function.

Allele frequency attached by ClinVar (database versions not stated): ExAC 0.00001; gnomAD exomes 0.00002.
gnomAD v4.1: 61 of 1,596,434 alleles (0.0038%); highest among the groups gnomAD compares: East Asian, 0.13%; no homozygotes.

Submissions (2):

Labcorp Genetics (formerly Invitae), Labcorp
Classification: Uncertain significance. Last evaluated: 2021-08-30. Review status: criteria provided, single submitter. Criteria: Invitae Variant Classification Sherloc (09022015). Collection method: clinical testing. Allele origin: germline.
Comment: This sequence change replaces histidine with arginine at codon 28 of the PHYH protein (p.His28Arg). The histidine residue is weakly conserved and there is a small physicochemical difference between histidine and arginine. This variant is present in population databases (rs778011598, ExAC 0.01%). This variant has not been reported in the literature in individuals affected with PHYH-related conditions. Algorithms developed to predict the effect of missense changes on protein structure and function (SIFT, PolyPhen-2, Align-GVGD) all suggest that this variant is likely to be tolerated. In summary, the available evidence is currently insufficient to determine the role of this variant in disease. Therefore, it has been classified as a Variant of Uncertain Significance.

Illumina Laboratory Services, Illumina
Classification: Uncertain significance for Refsum disease, classic. Last evaluated: 2018-01-13. Review status: criteria provided, single submitter. Criteria: ICSL Variant Classification Criteria 13 December 2019. Collection method: clinical testing. Allele origin: germline.